The following is an entry in ClinVar:

ClinVar aggregate classification (germline): Uncertain significance (1 of 4 stars; one submission).

Conditions:
Hypertrophic cardiomyopathy 14. Identifiers: MedGen C2750467, MONDO:0013197, OMIM 613251.

Submission:

Labcorp Genetics (formerly Invitae), Labcorp
Classification: Uncertain significance for Hypertrophic cardiomyopathy 14. Last evaluated: 2022-12-21. Review status: criteria provided, single submitter. Criteria: Invitae Variant Classification Sherloc (09022015). Collection method: clinical testing. Allele origin: germline.
Comment: This sequence change falls in intron 28 of the MYH6 gene. It does not directly change the encoded amino acid sequence of the MYH6 protein. It affects a nucleotide within the consensus splice site. This variant is not present in population databases (gnomAD no frequency). This variant has not been reported in the literature in individuals affected with MYH6-related conditions. Variants that disrupt the consensus splice site are a relatively common cause of aberrant splicing (PMID: 17576681, 9536098). Algorithms developed to predict the effect of sequence changes on RNA splicing suggest that this variant may create or strengthen a splice site. In summary, the available evidence is currently insufficient to determine the role of this variant in disease. Therefore, it has been classified as a Variant of Uncertain Significance.

Literature cited by the submitters: PubMed 17576681; PubMed 9536098.

NM_002471.4(MYH6):c.3953_3978+2dup

Gene: MYH6 (myosin heavy chain 6; minus strand). Cytogenetic location: 14q11.2.
Variant type: Duplication.
Coding change: c.3953_3978+2dup on transcript NM_002471.4 (MANE Select); coding-DNA position 3953 through the canonical splice donor site of the intron after coding-DNA position 3978, 28 bases duplicated (AAAGGCAGCTGGAGGAGGAGGGCAAGGT).
Molecular consequence: splice donor variant.
Genome position (GRCh38, 1-based): chr14:23,389,391-23,389,418, ACCTTGCCCTCCTCCTCCAGCTGCCTTT duplicated on the plus strand (AAAGGCAGCTGGAGGAGGAGGGCAAGGT on the coding strand, the reverse complement: MYH6 is on the minus strand). VCF-style (leftmost placement, unchanged base first): chr14-23389390-C-CACCTTGCCCTCCTCCTCCAGCTGCCTTT. GRCh37 (hg19) VCF-style: chr14-23858599-C-CACCTTGCCCTCCTCCTCCAGCTGCCTTT.
Identifiers: ClinVar variation 2800409 (VCV002800409.3), dbSNP rs2502155906, ClinGen allele CA2739277773.